The following is an entry in ClinVar:

NM_004385.5(VCAN):c.1396G>A (p.Val466Ile)

Gene: VCAN (versican; plus strand). Cytogenetic location: 5q14.3.
Variant type: single nucleotide variant.
Coding change: c.1396G>A on transcript NM_004385.5 (MANE Select); coding-DNA position 1396, G replaced by A.
Protein change: p.Val466Ile; replaces valine 466 with isoleucine.
Molecular consequence: missense variant. On other transcripts: intron variant (2).
Genome position (GRCh38, 1-based): chr5:83,519,702, G>A. VCF-style: chr5-83519702-G-A. GRCh37 (hg19) VCF-style: chr5-82815521-G-A.
Other names: c.1396G>A, p.Val466Ile (NM_001164098.2); c.1042+7306G>A (NM_001164097.2, NM_001126336.3); c.1396G>A (NM_004385.4); short protein forms V466I.
Identifiers: ClinVar variation 1165960 (VCV001165960.12), dbSNP rs147551428, ClinGen allele CA3332664.
Genomic context (GRCh38, chr5:83,519,702, plus strand): 5'-CCTCTTGGAAAGCTAGACATATCAGAAATTAAGGAAGAAGTGCTCCAGAGTACAACTGGC[G>A]TCTCTCATTATGCTACGGATTCATGGGATGGTGTCGTGGAAGATAAACAAACACAAGAAT-3'
Protein context (NP_004376.2, residues 456-476): KEEVLQSTTG[Val466Ile]SHYATDSWDG

ClinVar aggregate classification (germline): Benign/Likely benign. Review status: criteria provided, multiple submitters, no conflicts (2 of 4 stars). 4 submissions from 4 submitters: Benign (1); Likely benign (3). Last evaluated 2026-06-19.

Conditions:
VCAN-related disorder. Also called: VCAN-related condition.
Inborn genetic diseases. Identifiers: MedGen C0950123, MeSH D030342.

Allele frequency attached by ClinVar (database versions not stated): ESP Exome Variant Server 0.00008; gnomAD 0.00012 and 0.00013; TOPMed 0.00013; gnomAD exomes 0.00014 and 0.00016; ExAC 0.00016; 1000 Genomes Project 0.00040; 1000 Genomes Project 30x 0.00047.
gnomAD v4.1: 262 of 1,614,106 alleles (0.016%); highest among the groups gnomAD compares: Middle Eastern, 0.033%; no homozygotes.

Submissions (4):

PreventionGenetics, part of Exact Sciences
Classification: Likely benign for VCAN-related condition. Last evaluated: 2026-06-19. Review status: criteria provided, single submitter. Criteria: ACMG Guidelines, 2015. Collection method: clinical testing. Allele origin: germline.
Comment: This variant is classified as likely benign based on ACMG/AMP sequence variant interpretation guidelines (Richards et al. 2015 PMID: 25741868, with internal and published modifications).

Labcorp Genetics (formerly Invitae), Labcorp
Classification: Benign. Last evaluated: 2025-11-11. Review status: criteria provided, single submitter. Criteria: Invitae Variant Classification Sherloc (09022015). Collection method: clinical testing. Allele origin: germline.

Blueprint Genetics
Classification: Likely benign. Last evaluated: 2024-06-07. Review status: criteria provided, single submitter. Criteria: ACMG Guidelines, 2015. Collection method: clinical testing. Allele origin: germline.

Ambry Genetics
Classification: Likely benign for Inborn genetic diseases. Last evaluated: 2022-10-26. Review status: criteria provided, single submitter. Criteria: Ambry Variant Classification Scheme 2023. Collection method: clinical testing. Allele origin: germline.